The following is an entry in ClinVar:

ClinVar aggregate classification (germline): Benign. Review status: criteria provided, multiple submitters, no conflicts (2 of 4 stars). 5 submissions from 5 submitters: Benign (5). Last evaluated 2026-02-04.

Allele frequency attached by ClinVar (database versions not stated): gnomAD exomes 0.28103 and 0.29985; TOPMed 0.32130; 1000 Genomes Project 0.33586; ESP Exome Variant Server 0.29703; 1000 Genomes Project 30x 0.33526; gnomAD 0.32265 and 0.32326; ExAC 0.34115.
gnomAD v4.1: 433,529 of 1,520,018 alleles (29%); highest among the groups gnomAD compares: African/African-American, 42%; 62,273 homozygotes.

Submissions (5):

Labcorp Genetics (formerly Invitae), Labcorp
Classification: Benign. Last evaluated: 2026-02-04. Review status: criteria provided, single submitter. Criteria: Invitae Variant Classification Sherloc (09022015). Collection method: clinical testing. Allele origin: germline.

Women's Health and Genetics/Laboratory Corporation of America, LabCorp
Classification: Benign. Last evaluated: 2026-01-21. Review status: criteria provided, single submitter. Criteria: LabCorp Variant Classification Summary - May 2015. Collection method: clinical testing. Allele origin: germline.

Unidad de Genómica Garrahan, Hospital de Pediatría Garrahan
Classification: Benign. Last evaluated: 2024-01-24. Review status: criteria provided, single submitter. Criteria: ACMG Guidelines, 2015. Collection method: clinical testing. Allele origin: germline. Affected: no. Observed: 42 variant alleles.
Comment: This variant is classified as Benign based on local population frequency. This variant was detected in 44% of patients studied by a panel of primary immunodeficiencies. Number of patients: 42. Only high quality variants are reported.

Mayo Clinic Laboratories, Mayo Clinic
Classification: Benign. Last evaluated: 2022-09-06. Review status: criteria provided, single submitter. Criteria: ACMG Guidelines, 2015. Collection method: clinical testing. Allele origin: germline. Observed: 24 variant alleles.

Breakthrough Genomics
Classification: Benign. Review status: criteria provided, single submitter. Criteria: ACMG Guidelines, 2015. Collection method: not provided. Allele origin: germline. Inheritance: Autosomal dominant inheritance. Affected: yes.

NM_001330700.2(TOP2B):c.459A>G (p.Val153=)

Gene: TOP2B (DNA topoisomerase II beta; minus strand). Cytogenetic location: 3p24.2.
Variant type: single nucleotide variant.
Coding change: c.459A>G on transcript NM_001330700.2 (MANE Select); coding-DNA position 459, A replaced by G.
Protein change: p.Val153=; no amino-acid change (valine 153 retained).
Molecular consequence: synonymous variant.
Genome position (GRCh38, 1-based): chr3:25,638,247, T>C on the plus strand (A>G on the coding strand, the complement: TOP2B is on the minus strand). VCF-style: chr3-25638247-T-C. GRCh37 (hg19) VCF-style: chr3-25679738-T-C.
Other names: p.Val148=; c.444A>G, p.Val148= (NM_001068.3).
Identifiers: ClinVar variation 1164869 (VCV001164869.12), dbSNP rs60422476, ClinGen allele CA2288889.
Genomic context (GRCh38, chr3:25,638,247, plus strand): 5'-ATCATAGTTACTGGATGTTAAAAGCTGTCCAAAAATTAAAGCAGGAACATAAACTTTCTC[T>C]ACCTTGTGTTCTACTACTGGAATGCCTTTCCCATTATTCCAAATGCTTATAATGTTAGAT-3'
Protein context (NP_001317629.1, residues 143-163): GKGIPVVEHK[Val153=]EKVYVPALIF